The following is an entry in ClinVar:

ClinVar aggregate classification (germline): Pathogenic (1 of 4 stars; one submission).

Conditions:
Developmental and epileptic encephalopathy, 2 (DEE2). Also called: INFANTILE SPASM SYNDROME, X-LINKED 2; CDKL5 deficiency disorder. Identifiers: Orphanet 1934, Orphanet 3451, Orphanet 505652, MedGen C4750718, MONDO:0010396, OMIM 300672.

Submission:

Variantyx, Inc.
Classification: Pathogenic for Developmental and epileptic encephalopathy, 2. Last evaluated: 2025-05-07. Review status: criteria provided, single submitter. Criteria: Variantyx Assertion Criteria 2022. Collection method: clinical testing. Allele origin: maternal. Inheritance: X-linked dominant inheritance. Affected: yes.
Comment: This is a nonsense variant in the CDKL5 gene (OMIM: 300203). Pathogenic variants in this gene have been associated with X-linked developmental and epileptic encephalopathy 2. This variant introduces a premature termination codon in exon 17 out of 18 and is expected to result in loss of function, which is a known disease mechanism for CDKL5 in this disorder (PMID: 22872100) (PVS1). This variant is absent from control populations (PM2) and has not been reported in individuals with CDKL5-related disorders in the databases available for review. Based on the current evidence, this variant is classified as pathogenic for X-linked developmental and epileptic encephalopathy 2.

Literature cited by the submitters: PubMed 22872100.

NM_001323289.2(CDKL5):c.2470G>T (p.Glu824Ter)

Gene: CDKL5 (cyclin dependent kinase like 5; plus strand). Cytogenetic location: Xp22.13.
Variant type: single nucleotide variant.
Coding change: c.2470G>T on transcript NM_001323289.2 (MANE Select); coding-DNA position 2470, G replaced by T.
Protein change: p.Glu824Ter; replaces glutamic acid 824 with a stop codon.
Molecular consequence: nonsense.
Genome position (GRCh38, 1-based): chrX:18,625,221, G>T. VCF-style: chrX-18625221-G-T. GRCh37 (hg19) VCF-style: chrX-18643341-G-T.
Other names: c.2470G>T, p.Glu824Ter (NM_001037343.2, NM_003159.3); short protein forms E824*.
Identifiers: ClinVar variation 4813716 (VCV004813716.1).